The following is an entry in ClinVar:

NM_145045.5(ODAD3):c.775A>G (p.Lys259Glu)

Gene: ODAD3 (outer dynein arm docking complex subunit 3; minus strand). Cytogenetic location: 19p13.2.
Variant type: single nucleotide variant.
Coding change: c.775A>G on transcript NM_145045.5 (MANE Select); coding-DNA position 775, A replaced by G.
Protein change: p.Lys259Glu; replaces lysine 259 with glutamic acid.
Molecular consequence: missense variant.
Genome position (GRCh38, 1-based): chr19:11,426,511, T>C on the plus strand (A>G on the coding strand, the complement: ODAD3 is on the minus strand). VCF-style: chr19-11426511-T-C. GRCh37 (hg19) VCF-style: chr19-11537331-T-C.
Other names: c.613A>G, p.Lys205Glu (NM_001302453.1); c.595A>G, p.Lys199Glu (NM_001302454.2); c.775A>G (NM_145045.4); short protein forms K199E, K205E, K259E.
Identifiers: ClinVar variation 1006483 (VCV001006483.9), dbSNP rs745486581, ClinGen allele CA9212269.
Genomic context (GRCh38, chr19:11,426,511, plus strand): 5'-CAATGTCCCGGGCATTGAGGGCCTCTTGGTTCACCACGTGCAGTGCCTCCAGCTCATGTT[T>C]GGTCCTCACCACCTCAGCCTCCATGGAGTCCAGCCGGTTCTCCAAGTTGAGGCTCTCGTC-3'
Protein context (NP_659482.3, residues 249-269): DSMEAEVVRT[Lys259Glu]HELEALHVVN

ClinVar aggregate classification (germline): Uncertain significance. Review status: criteria provided, multiple submitters, no conflicts (2 of 4 stars). 3 submissions from 3 submitters: Uncertain significance (3). Last evaluated 2024-03-19.

Conditions:
Inborn genetic diseases. Identifiers: MedGen C0950123, MeSH D030342.
Primary ciliary dyskinesia 30. Also called: CILIARY DYSKINESIA, PRIMARY, 30, WITH OR WITHOUT SITUS INVERSUS. Identifiers: Orphanet 244, MedGen C4015016, MONDO:0014465, OMIM 616037.

Allele frequency attached by ClinVar (database versions not stated): gnomAD 0.00001 and 0.00002; gnomAD exomes 0.00002 and 0.00005; TOPMed 0.00002; ExAC 0.00007.
gnomAD v4.1: 40 of 1,613,932 alleles (0.0025%); highest among the groups gnomAD compares: East Asian, 0.053%; no homozygotes.

Submissions (3):

Labcorp Genetics (formerly Invitae), Labcorp
Classification: Uncertain significance for Primary ciliary dyskinesia 30. Last evaluated: 2024-03-19. Review status: criteria provided, single submitter. Criteria: Invitae Variant Classification Sherloc (09022015). Collection method: clinical testing. Allele origin: germline.
Comment: This sequence change replaces lysine, which is basic and polar, with glutamic acid, which is acidic and polar, at codon 259 of the CCDC151 protein (p.Lys259Glu). This variant is present in population databases (rs745486581, gnomAD 0.06%). This variant has not been reported in the literature in individuals affected with CCDC151-related conditions. ClinVar contains an entry for this variant (Variation ID: 1006483). An algorithm developed to predict the effect of missense changes on protein structure and function (PolyPhen-2) suggests that this variant is likely to be disruptive. In summary, the available evidence is currently insufficient to determine the role of this variant in disease. Therefore, it has been classified as a Variant of Uncertain Significance.

Ambry Genetics
Classification: Uncertain significance for Inborn genetic diseases. Last evaluated: 2024-02-21. Review status: criteria provided, single submitter. Criteria: Ambry Variant Classification Scheme 2023. Collection method: clinical testing. Allele origin: germline.

Breakthrough Genomics
Classification: Uncertain significance. Review status: criteria provided, single submitter. Criteria: ACMG Guidelines, 2015. Collection method: not provided. Allele origin: germline. Inheritance: Autosomal recessive inheritance. Affected: yes.